The following is an entry in ClinVar:

ClinVar aggregate classification (germline): Uncertain significance (1 of 4 stars; one submission).

Conditions:
Atrioventricular septal defect 5 (AVSD5). Identifiers: MedGen C3280939, MONDO:0013769, OMIM 614474.

Allele frequency attached by ClinVar (database versions not stated): gnomAD exomes 0.00001.
gnomAD v4.1: 12 of 1,596,588 alleles (0.00075%); highest among the groups gnomAD compares: South Asian, 0.011%; 1 homozygote.

Submission:

Labcorp Genetics (formerly Invitae), Labcorp
Classification: Uncertain significance for Atrioventricular septal defect 5. Last evaluated: 2024-12-22. Review status: criteria provided, single submitter. Criteria: Invitae Variant Classification Sherloc (09022015). Collection method: clinical testing. Allele origin: germline.
Comment: This sequence change replaces serine, which is neutral and polar, with tyrosine, which is neutral and polar, at codon 43 of the GATA6 protein (p.Ser43Tyr). This variant is present in population databases (no rsID available, gnomAD 0.003%). This variant has not been reported in the literature in individuals affected with GATA6-related conditions. ClinVar contains an entry for this variant (Variation ID: 2733101). An algorithm developed to predict the effect of missense changes on protein structure and function (PolyPhen-2) suggests that this variant is likely to be disruptive. In summary, the available evidence is currently insufficient to determine the role of this variant in disease. Therefore, it has been classified as a Variant of Uncertain Significance.

NM_005257.6(GATA6):c.128C>A (p.Ser43Tyr)

Gene: GATA6 (GATA binding protein 6; plus strand). Cytogenetic location: 18q11.2.
Variant type: single nucleotide variant.
Coding change: c.128C>A on transcript NM_005257.6 (MANE Select); coding-DNA position 128, C replaced by A.
Protein change: p.Ser43Tyr; replaces serine 43 with tyrosine.
Molecular consequence: missense variant.
Genome position (GRCh38, 1-based): chr18:22,171,272, C>A. VCF-style: chr18-22171272-C-A. GRCh37 (hg19) VCF-style: chr18-19751233-C-A.
Other names: short protein forms S43Y.
Identifiers: ClinVar variation 2733101 (VCV002733101.3), dbSNP rs968804836, ClinGen allele CA401798759.